The following is an entry in ClinVar:

NM_001039141.3(TRIOBP):c.6363G>A (p.Ser2121=)

Gene: TRIOBP (TRIO and F-actin binding protein; plus strand). Cytogenetic location: 22q13.1.
Variant type: single nucleotide variant.
Coding change: c.6363G>A on transcript NM_001039141.3 (MANE Select); coding-DNA position 6363, G replaced by A.
Protein change: p.Ser2121=; no amino-acid change (serine 2121 retained).
Molecular consequence: synonymous variant.
Genome position (GRCh38, 1-based): chr22:37,765,708, G>A. VCF-style: chr22-37765708-G-A. GRCh37 (hg19) VCF-style: chr22-38161715-G-A.
Other names: c.1224G>A, p.Ser408= (NM_007032.5).
Identifiers: ClinVar variation 2917209 (VCV002917209.17), dbSNP rs372703303, ClinGen allele CA10225011.

ClinVar aggregate classification (germline): Likely benign. Review status: criteria provided, multiple submitters, no conflicts (2 of 4 stars). 3 submissions from 3 submitters: Likely benign (3). Last evaluated 2026-10-01.

Allele frequency attached by ClinVar (database versions not stated): ESP Exome Variant Server 0.00008; ExAC 0.00010.
gnomAD v4.1: 209 of 1,555,444 alleles (0.013%); highest among the groups gnomAD compares: Non-Finnish European, 0.016%; no homozygotes.

Submissions (3):

CeGaT Center for Human Genetics Tuebingen
Classification: Likely benign. Last evaluated: 2026-10-01. Review status: criteria provided, single submitter. Criteria: CeGaT Center For Human Genetics Tuebingen Variant Classification Criteria Version 2. Collection method: clinical testing. Allele origin: germline. Affected: yes. Observed: 2 variant alleles.
Comment: TRIOBP: BP4, BP7

Labcorp Genetics (formerly Invitae), Labcorp
Classification: Likely benign. Last evaluated: 2024-06-19. Review status: criteria provided, single submitter. Criteria: Invitae Variant Classification Sherloc (09022015). Collection method: clinical testing. Allele origin: germline.

Blueprint Genetics
Classification: Likely benign. Last evaluated: 2023-12-21. Review status: criteria provided, single submitter. Criteria: ACMG Guidelines, 2015. Collection method: clinical testing. Allele origin: germline.